The following is an entry in ClinVar:

ClinVar aggregate classification (germline): Uncertain significance (1 of 4 stars; one submission).

Conditions:
Intellectual developmental disorder, X-linked 107. Also called: MENTAL RETARDATION, X-LINKED 107; Intellectual disability, X-linked 107. Identifiers: MedGen C4692652, MONDO:0049222, OMIM 301013.

gnomAD v4.1: 10 of 1,188,061 alleles (0.00084%); highest among the groups gnomAD compares: Non-Finnish European, 0.0011%; no homozygotes.

Submission:

Victorian Clinical Genetics Services, Murdoch Childrens Research Institute
Classification: Uncertain significance for Intellectual developmental disorder, X-linked 107. Last evaluated: 2023-07-17. Review status: criteria provided, single submitter. Criteria: ACMG Guidelines, 2015. Collection method: clinical testing. Allele origin: germline. Inheritance: X-linked recessive inheritance. Affected: yes.
Comment: Based on the classification scheme VCGS_Germline_v1.3.4, this variant is classified as VUS-3B. Following criteria are met: 0102 - Loss of function is a known mechanism of disease in this gene and is associated with intellectual developmental disorder, X-linked 107 (MIM#301013). (I) 0109 - This gene is associated with X-linked recessive disease. Carrier females may be asymptomatic due to skewed X-inactivation or mildly affected (PMID: 29374277; PMID: 31822863). (I) 0200 - Variant is predicted to result in a missense amino acid change from arginine to glutamine. (I) 0253 - This variant is hemizygous. (I) 0304 - Variant is present in gnomAD (v2) <0.01 for a recessive condition (0 heterozygotes, 0 homozygotes, 1 hemizygote). (SP) 0502 - Missense variant with conflicting in silico predictions and uninformative conservation. (I) 0603 - Missense variant in a region that is highly intolerant to missense variation (high constraint region in DECIPHER). (SP) 0705 - No comparable missense variants have previous evidence for pathogenicity. (I) 0807 - This variant has no previous evidence of pathogenicity. (I) 0905 - No published segregation evidence has been identified for this variant. (I) 1007 - No published functional evidence has been identified for this variant. (I) 1208 - Inheritance information for this variant is not currently available in this individual. (I) Legend: (SP) - Supporting pathogenic, (I) - Information, (SB) - Supporting benign

Literature cited by the submitters: PubMed 29374277; PubMed 31822863.

NM_022101.4(STEEP1):c.593G>A (p.Arg198Gln)

Gene: STEEP1 (STING1 ER exit protein 1; minus strand). Cytogenetic location: Xq24.
Variant type: single nucleotide variant.
Coding change: c.593G>A on transcript NM_022101.4 (MANE Select); coding-DNA position 593, G replaced by A.
Protein change: p.Arg198Gln; replaces arginine 198 with glutamine.
Molecular consequence: missense variant.
Genome position (GRCh38, 1-based): chrX:119,541,341, C>T on the plus strand (G>A on the coding strand, the complement: STEEP1 is on the minus strand). VCF-style: chrX-119541341-C-T. GRCh37 (hg19) VCF-style: chrX-118675304-C-T.
Other names: c.446G>A, p.Arg149Gln (NM_001170569.1); c.551G>A, p.Arg184Gln (NM_001170570.2); short protein forms R149Q, R184Q, R198Q.
Identifiers: ClinVar variation 3376732 (VCV003376732.1).
Genomic context (GRCh38, chrX:119,541,341, plus strand): 5'-CATCCAAATGATAGGGCCCCAGCACCTTGCTACCCCTTGCTACTCACCAGCTCTTGCAGT[C>T]GCCTCTTGCTCATGCCTTTGCGCTCCAGCTGTTTTTCAATCACTTTGGCATTCTGTGCAT-3'
Protein context (NP_071384.1, residues 188-208): QLERKGMSKR[Arg198Gln]LQELAELEAK